The following is an entry in ClinVar:

NM_001375905.1(SGMS2):c.53G>A (p.Ser18Asn)

Genes: CYP2U1-AS1 (CYP2U1 and SGMS2 antisense RNA 1; minus strand), SGMS2 (sphingomyelin synthase 2; plus strand). Cytogenetic location: 4q25.
Variant type: single nucleotide variant.
Coding change: c.53G>A on transcript NM_001375905.1 (MANE Select); coding-DNA position 53, G replaced by A.
Protein change: p.Ser18Asn; replaces serine 18 with asparagine.
Molecular consequence: missense variant. On other transcripts: intron variant (1).
Genome position (GRCh38, 1-based): chr4:107,895,606, G>A. VCF-style: chr4-107895606-G-A. GRCh37 (hg19) VCF-style: chr4-108816762-G-A.
Other names: c.53G>A, p.Ser18Asn (NM_001375906.1, NM_001375907.1, NM_001375908.1 and 4 more transcripts); c.-64-3969G>A (NM_001375911.1); short protein forms S18N.
Identifiers: ClinVar variation 2216387 (VCV002216387.4), dbSNP rs762913325, ClinGen allele CA3036711.
Genomic context (GRCh38, chr4:107,895,606, plus strand): 5'-AGGGGACAATGGATATCATAGAGACAGCAAAACTTGAAGAACATTTGGAAAATCAACCCA[G>A]TGATCCTACGAACACTTATGCAAGACCCGCTGAACCTGTTGAAGAAGAAAACAAAAATGG-3'
Protein context (NP_001362834.1, residues 8-28): KLEEHLENQP[Ser18Asn]DPTNTYARPA

ClinVar aggregate classification (germline): Conflicting classifications of pathogenicity. Review status: criteria provided, conflicting classifications (1 of 4 stars). 2 submissions from 2 submitters: Uncertain significance (1); Likely benign (1). Last evaluated 2024-11-23.

Conditions:
Inborn genetic diseases. Identifiers: MedGen C0950123, MeSH D030342.

Allele frequency attached by ClinVar (database versions not stated): gnomAD exomes below 0.00001; ExAC 0.00001; gnomAD 0.00001; TOPMed 0.00001.
gnomAD v4.1: 2 of 1,613,862 alleles (0.00012%); highest among the groups gnomAD compares: African/African-American, 0.0013%; no homozygotes.

Submissions (2):

Labcorp Genetics (formerly Invitae), Labcorp
Classification: Uncertain significance. Last evaluated: 2024-11-23. Review status: criteria provided, single submitter. Criteria: Invitae Variant Classification Sherloc (09022015). Collection method: clinical testing. Allele origin: germline.
Comment: This sequence change replaces serine, which is neutral and polar, with asparagine, which is neutral and polar, at codon 18 of the SGMS2 protein (p.Ser18Asn). This variant is present in population databases (rs762913325, gnomAD 0.007%). This variant has not been reported in the literature in individuals affected with SGMS2-related conditions. ClinVar contains an entry for this variant (Variation ID: 2216387). An algorithm developed to predict the effect of missense changes on protein structure and function outputs the following: PolyPhen-2: "Benign". The asparagine amino acid residue is found in multiple mammalian species, which suggests that this missense change does not adversely affect protein function. In summary, the available evidence is currently insufficient to determine the role of this variant in disease. Therefore, it has been classified as a Variant of Uncertain Significance.

Ambry Genetics
Classification: Likely benign for Inborn genetic diseases. Last evaluated: 2022-12-28. Review status: criteria provided, single submitter. Criteria: Ambry Variant Classification Scheme 2023. Collection method: clinical testing. Allele origin: germline.